The following is an entry in ClinVar:

NM_019055.6(ROBO4):c.985C>T (p.Arg329Trp)

Gene: ROBO4 (roundabout guidance receptor 4; minus strand). Cytogenetic location: 11q24.2.
Variant type: single nucleotide variant.
Coding change: c.985C>T on transcript NM_019055.6 (MANE Select); coding-DNA position 985, C replaced by T.
Protein change: p.Arg329Trp; replaces arginine 329 with tryptophan.
Molecular consequence: missense variant.
Genome position (GRCh38, 1-based): chr11:124,895,508, G>A on the plus strand (C>T on the coding strand, the complement: ROBO4 is on the minus strand). VCF-style: chr11-124895508-G-A. GRCh37 (hg19) VCF-style: chr11-124765404-G-A.
Other names: c.550C>T, p.Arg184Trp (NM_001301088.2); short protein forms R184W, R329W.
Identifiers: ClinVar variation 3034561 (VCV003034561.2), dbSNP rs145659608, ClinGen allele CA6345113.

ClinVar aggregate classification (germline): Likely benign (0 of 4 stars; one submission).

Conditions:
ROBO4-related disorder. Also called: ROBO4-related condition.

Allele frequency attached by ClinVar (database versions not stated): gnomAD exomes 0.00011; ExAC 0.00028; 1000 Genomes Project 0.00060; 1000 Genomes Project 30x 0.00062; ESP Exome Variant Server 0.00092; gnomAD 0.00092; TOPMed 0.00112.
gnomAD v4.1: 301 of 1,611,496 alleles (0.019%); highest among the groups gnomAD compares: African/African-American, 0.32%; 1 homozygote.

Submission:

PreventionGenetics, part of Exact Sciences
Classification: Likely benign for ROBO4-related condition. Last evaluated: 2019-08-09. Review status: no assertion criteria provided. Collection method: clinical testing. Allele origin: germline.
Comment: This variant is classified as likely benign based on ACMG/AMP sequence variant interpretation guidelines (Richards et al. 2015 PMID: 25741868, with internal and published modifications).